The following is an entry in ClinVar:

NM_002225.5(IVD):c.1065G>C (p.Lys355Asn)

Gene: IVD (isovaleryl-CoA dehydrogenase; plus strand). Cytogenetic location: 15q15.1.
Variant type: single nucleotide variant.
Coding change: c.1065G>C on transcript NM_002225.5 (MANE Select); coding-DNA position 1065, G replaced by C.
Protein change: p.Lys355Asn; replaces lysine 355 with asparagine.
Molecular consequence: missense variant. On other transcripts: non-coding transcript variant (1).
Genome position (GRCh38, 1-based): chr15:40,416,182, G>C. VCF-style: chr15-40416182-G-C. GRCh37 (hg19) VCF-style: chr15-40708381-G-C.
Other names: c.975G>C, p.Lys325Asn (NM_001159508.3); c.1017G>C, p.Lys339Asn (NM_001354597.3); c.1065G>C, p.Lys355Asn (NM_001354598.3, NM_001354601.3); c.1152G>C, p.Lys384Asn (NM_001354599.3, NM_001354600.3); short protein forms K325N, K339N, K355N, K384N.
Identifiers: ClinVar variation 1331439 (VCV001331439.7), dbSNP rs910454086, ClinGen allele CA391723561.

ClinVar aggregate classification (germline): Uncertain significance. Review status: criteria provided, multiple submitters, no conflicts (2 of 4 stars). 3 submissions from 3 submitters: Uncertain significance (3). Last evaluated 2024-07-13.

Conditions:
Isovaleryl-CoA dehydrogenase deficiency (IVA). Also called: ISOVALERIC ACID CoA DEHYDROGENASE DEFICIENCY; Isovaleric acidemia; Classic Isovaleric Acidemia; IVD DEFICIENCY. Identifiers: Orphanet 33, MedGen C0268575, MONDO:0009475, OMIM 243500.

gnomAD v4.1: 2 of 1,614,066 alleles (0.00012%); highest among the groups gnomAD compares: Admixed American, 0.0033%; no homozygotes.

Submissions (3):

GeneDx
Classification: Uncertain significance. Last evaluated: 2024-07-13. Review status: criteria provided, single submitter. Criteria: GeneDx Variant Classification Process June 2021. Collection method: clinical testing. Allele origin: germline. Affected: yes.
Comment: Not observed at significant frequency in large population cohorts (gnomAD); In silico analysis supports that this missense variant has a deleterious effect on protein structure/function; In silico analysis is inconclusive as to whether the variant alters gene splicing. In the absence of RNA/functional studies, the actual effect of this sequence change is unknown.; Has not been previously published as pathogenic or benign to our knowledge

Labcorp Genetics (formerly Invitae), Labcorp
Classification: Uncertain significance for Isovaleryl-CoA dehydrogenase deficiency. Last evaluated: 2022-03-12. Review status: criteria provided, single submitter. Criteria: Invitae Variant Classification Sherloc (09022015). Collection method: clinical testing. Allele origin: germline.
Comment: In summary, the available evidence is currently insufficient to determine the role of this variant in disease. Therefore, it has been classified as a Variant of Uncertain Significance. Variants that disrupt the consensus splice site are a relatively common cause of aberrant splicing (PMID: 17576681, 9536098). Algorithms developed to predict the effect of sequence changes on RNA splicing suggest that this variant may disrupt the consensus splice site. Algorithms developed to predict the effect of missense changes on protein structure and function (SIFT, PolyPhen-2, Align-GVGD) all suggest that this variant is likely to be disruptive. This sequence change affects codon 358 of the IVD mRNA. It is a 'silent' change, meaning that it does not change the encoded amino acid sequence of the IVD protein. This variant also falls at the last nucleotide of exon 10, which is part of the consensus splice site for this exon. ClinVar contains an entry for this variant (Variation ID: 1331439). This variant has not been reported in the literature in individuals affected with IVD-related conditions. This variant is present in population databases (no rsID available, gnomAD 0.006%).

Women's Health and Genetics/Laboratory Corporation of America, LabCorp
Classification: Uncertain significance. Last evaluated: 2021-12-17. Review status: criteria provided, single submitter. Criteria: LabCorp Variant Classification Summary - May 2015. Collection method: clinical testing. Allele origin: germline.

Literature cited by the submitters: PubMed 17576681 (cited by Labcorp Genetics (formerly Invitae), Labcorp); PubMed 9536098 (cited by Labcorp Genetics (formerly Invitae), Labcorp).